The following is an entry in ClinVar:

ClinVar aggregate classification (germline): Likely benign (1 of 4 stars; one submission).

Conditions:
SEMA3G-related disorder. Also called: SEMA3G-related condition.

Allele frequency attached by ClinVar (database versions not stated): ESP Exome Variant Server 0.00054; TOPMed 0.00056; ExAC 0.00063; gnomAD 0.00075.
gnomAD v4.1: 2,296 of 1,612,286 alleles (0.14%); highest among the groups gnomAD compares: Non-Finnish European, 0.18%; 5 homozygotes.

Submission:

PreventionGenetics, part of Exact Sciences
Classification: Likely benign for SEMA3G-related condition. Last evaluated: 2026-01-24. Review status: criteria provided, single submitter. Criteria: ACMG Guidelines, 2015. Collection method: clinical testing. Allele origin: germline.
Comment: This variant is classified as likely benign based on ACMG/AMP sequence variant interpretation guidelines (Richards et al. 2015 PMID: 25741868, with internal and published modifications).

NM_020163.3(SEMA3G):c.2329C>T (p.Arg777Trp)

Gene: SEMA3G (semaphorin 3G; minus strand). Cytogenetic location: 3p21.1.
Variant type: single nucleotide variant.
Coding change: c.2329C>T on transcript NM_020163.3 (MANE Select); coding-DNA position 2329, C replaced by T.
Protein change: p.Arg777Trp; replaces arginine 777 with tryptophan.
Molecular consequence: missense variant.
Genome position (GRCh38, 1-based): chr3:52,435,623, G>A on the plus strand (C>T on the coding strand, the complement: SEMA3G is on the minus strand). VCF-style: chr3-52435623-G-A. GRCh37 (hg19) VCF-style: chr3-52469639-G-A.
Other names: short protein forms R777W.
Identifiers: ClinVar variation 2636346 (VCV002636346.4), dbSNP rs201289437, ClinGen allele CA2437659.